The following is an entry in ClinVar:

ClinVar aggregate classification (germline): Pathogenic (1 of 4 stars; one submission).

Conditions:
Hereditary cancer-predisposing syndrome. Also called: Tumor predisposition; Hereditary Cancer Syndrome; Neoplastic Syndromes, Hereditary; Hereditary neoplastic syndrome. Identifiers: Orphanet 140162, MedGen C0027672, MeSH D009386, MONDO:0015356.

Submission:

Ambry Genetics
Classification: Pathogenic for Hereditary cancer-predisposing syndrome. Last evaluated: 2019-11-27. Review status: criteria provided, single submitter. Criteria: Ambry Variant Classification Scheme 2023. Collection method: clinical testing. Allele origin: germline.
Comment: The c.2667delA pathogenic mutation, located in coding exon 15 of the APC gene, results from a deletion of one nucleotide at nucleotide position 2667, causing a translational frameshift with a predicted alternate stop codon (p.V890Sfs*26). This alteration is expected to result in loss of function by premature protein truncation. As such, this alteration is interpreted as a disease-causing mutation.

NM_000038.6(APC):c.2667del (p.Val890fs)

Gene: APC (APC regulator of Wnt signaling pathway; plus strand). Cytogenetic location: 5q22.2.
Variant type: Deletion.
Coding change: c.2667del on transcript NM_000038.6 (MANE Select); coding-DNA position 2667, one base deleted (A; older notation c.2667delA).
Protein change: p.Val890fs; shifts the reading frame from valine 890.
Molecular consequence: frameshift variant.
Genome position (GRCh38, 1-based): chr5:112,838,261, A deleted; the last of 3 consecutive A bases (chr5:112,838,259-112,838,261); deleting any one gives the same sequence. VCF-style (leftmost placement, unchanged base first): chr5-112838258-CA-C. GRCh37 (hg19) VCF-style: chr5-112173955-CA-C.
Other names: c.2667del, p.Val890fs (NM_001127510.3, NM_001354895.2); c.2613del, p.Val872fs (NM_001127511.3); c.2721del, p.Val908fs (NM_001354896.2); c.2697del, p.Val900fs (NM_001354897.2); c.2592del, p.Val865fs (NM_001354898.2); c.2583del, p.Val862fs (NM_001354899.2); c.2544del, p.Val849fs (NM_001354900.2); c.2490del, p.Val831fs (NM_001354901.2); and 5 more; short protein forms V607fs, V799fs, V865fs, V890fs, V849fs, V900fs, V730fs, V789fs.
Identifiers: ClinVar variation 821646 (VCV000821646.4), dbSNP rs1580625495, ClinGen allele CA915942624.